The following is an entry in ClinVar:

ClinVar aggregate classification (germline): Pathogenic (1 of 4 stars; one submission).

Conditions:
Autosomal recessive nonsyndromic hearing loss 22. Identifiers: Orphanet 90636, MedGen C1846896, MONDO:0011762, OMIM 607039.

Submission:

Women's Health and Genetics/Laboratory Corporation of America, LabCorp
Classification: Pathogenic for Autosomal recessive nonsyndromic hearing loss 22. Last evaluated: 2026-04-13. Review status: criteria provided, single submitter. Criteria: LabCorp Variant Classification Summary - May 2015. Collection method: clinical testing. Allele origin: germline.
Comment: Variant summary: The variant involves the deletion of exons 2-20 in the OTOA gene. A presumed nomenclature of c.(-5+1_-4-1)_(2207+1_2208-1)del has been designated for the purposes of this classification. The exact breakpoint at the 5' end of this variant is unknown, therefore this deletion may extend upstream of the annotated region of this gene. Although the exact breakpoints of this deletion are not known, it is predicted to remove the initiation codon and result in an absence of protein or a truncation of the encoded protein due to translation initiation at a downstream site. Loss-of-function variants in this gene are known to be pathogenic. The variant was absent in 21688 control chromosomes. To our knowledge, no occurrence of c.(-5+1_-4-1)_(2207+1_2208-1)del in individuals affected with OTOA-related conditions and no experimental evidence demonstrating its impact on protein function have been reported. No submitters have cited clinical-significance assessments for this variant to ClinVar. Based on the evidence outlined above, the variant was classified as pathogenic.

NC_000016.9:g.(21675554_21689831)_(21739753_21742157)del

Gene: OTOA (otoancorin). Cytogenetic location: 16p12.2.
Variant type: Deletion.
Identifiers: ClinVar variation 4848651 (VCV004848651.1).